The following is an entry in ClinVar:

ClinVar aggregate classification (germline): Uncertain significance (1 of 4 stars; one submission).

Conditions:
Hereditary cancer-predisposing syndrome. Also called: Neoplastic Syndromes, Hereditary; Tumor predisposition; Hereditary Cancer Syndrome; Hereditary neoplastic syndrome. Identifiers: Orphanet 140162, MedGen C0027672, MeSH D009386, MONDO:0015356.

Submission:

Ambry Genetics
Classification: Uncertain significance for Hereditary cancer-predisposing syndrome. Last evaluated: 2026-04-27. Review status: criteria provided, single submitter. Criteria: Ambry Variant Classification Scheme 2023. Collection method: clinical testing. Allele origin: germline.
Comment: The p.V279M variant (also known as c.835G>A), located in coding exon 7 of the EGFR gene, results from a G to A substitution at nucleotide position 835. The valine at codon 279 is replaced by methionine, an amino acid with highly similar properties. This amino acid position is not well conserved in available vertebrate species. In addition, this alteration is predicted to be tolerated by in silico analysis. Based on the available evidence, the clinical significance of this variant remains unclear.

NM_005228.5(EGFR):c.835G>A (p.Val279Met)

Gene: EGFR (epidermal growth factor receptor; plus strand). Cytogenetic location: 7p11.2.
Variant type: single nucleotide variant.
Coding change: c.835G>A on transcript NM_005228.5 (MANE Select); coding-DNA position 835, G replaced by A.
Protein change: p.Val279Met; replaces valine 279 with methionine.
Molecular consequence: missense variant. On other transcripts: intron variant (1).
Genome position (GRCh38, 1-based): chr7:55,154,098, G>A. VCF-style: chr7-55154098-G-A. GRCh37 (hg19) VCF-style: chr7-55221791-G-A.
Other names: c.700G>A, p.Val234Met (NM_001346897.2, NM_001346899.2); c.835G>A, p.Val279Met (NM_001346898.2, NM_201282.2, NM_201283.2 and 1 more transcripts); c.676G>A, p.Val226Met (NM_001346900.2); c.89-1732G>A (NM_001346941.2); short protein forms V226M, V234M, V279M.
Identifiers: ClinVar variation 4870255 (VCV004870255.1).